The following is an entry in ClinVar:

ClinVar aggregate classification (germline): Conflicting classifications of pathogenicity. Review status: criteria provided, conflicting classifications (1 of 4 stars). 7 submissions from 7 submitters: Uncertain significance (1); Benign (1); Likely benign (5). Last evaluated 2026-05-15.

Conditions:
Hereditary cancer-predisposing syndrome. Also called: Tumor predisposition; Hereditary neoplastic syndrome; Neoplastic Syndromes, Hereditary; Hereditary Cancer Syndrome. Identifiers: Orphanet 140162, MedGen C0027672, MeSH D009386, MONDO:0015356.
Neurofibromatosis, type 1 (NF1). Also called: Neurofibromatosis, type I; NEUROFIBROMATOSIS, TYPE I, SOMATIC; VON RECKLINGHAUSEN DISEASE; Peripheral type neurofibromatosis. Identifiers: Orphanet 636, MedGen C0027831, MONDO:0018975, OMIM 162200. Disease mechanism: loss of function.

Allele frequency attached by ClinVar (database versions not stated): ESP Exome Variant Server 0.00008; gnomAD 0.00003 and 0.00004; gnomAD exomes 0.00004; TOPMed 0.00004; ExAC 0.00005.
gnomAD v4.1: 58 of 1,612,792 alleles (0.0036%); highest among the groups gnomAD compares: Non-Finnish European, 0.0046%; no homozygotes.

Submissions (7):

Myriad Genetics, Inc.
Classification: Benign for Neurofibromatosis, type 1. Last evaluated: 2026-05-15. Review status: criteria provided, single submitter. Criteria: Myriad Autosomal Dominant, Autosomal Recessive and X-Linked Classification Criteria (2023). Collection method: clinical testing. Allele origin: unknown.
Comment: This variant is considered benign. This variant is a silent/synonymous amino acid change and it is not expected to impact splicing.

Labcorp Genetics (formerly Invitae), Labcorp
Classification: Likely benign for Neurofibromatosis, type 1. Last evaluated: 2025-12-29. Review status: criteria provided, single submitter. Criteria: Invitae Variant Classification Sherloc (09022015). Collection method: clinical testing. Allele origin: germline.

Women's Health and Genetics/Laboratory Corporation of America, LabCorp
Classification: Likely benign. Last evaluated: 2025-07-11. Review status: criteria provided, single submitter. Criteria: LabCorp Variant Classification Summary - May 2015. Collection method: clinical testing. Allele origin: germline.

Quest Diagnostics Nichols Institute San Juan Capistrano
Classification: Uncertain significance. Last evaluated: 2024-09-29. Review status: criteria provided, single submitter. Criteria: Quest Diagnostics criteria. Collection method: clinical testing. Allele origin: unknown.
Comment: The NF1 c.1806A>G (p.Glu602=) synonymous variant has not been reported in individuals with NF1-related conditions in the published literature. The frequency of this variant in the general population, 0.000093 (12/128912 chromosomes (Genome Aggregation Database)), is uninformative in the assessment of its pathogenicity. Analysis of this variant using software algorithms for the prediction of the effect of nucleotide changes on splicing yielded predictions that this variant does not affect NF1 mRNA splicing. Based on the available information, we are unable to determine the clinical significance of this variant.

Genome-Nilou Lab
Classification: Likely benign for Neurofibromatosis, type 1. Last evaluated: 2022-03-15. Review status: criteria provided, single submitter. Criteria: ACMG Guidelines, 2015. Collection method: clinical testing. Allele origin: germline. Affected: no.

Sema4
Classification: Likely benign for Hereditary cancer-predisposing syndrome. Last evaluated: 2020-11-09. Review status: criteria provided, single submitter. Criteria: Sema4 Curation Guidelines. Collection method: curation. Allele origin: germline.

Ambry Genetics
Classification: Likely benign for Hereditary cancer-predisposing syndrome. Last evaluated: 2014-09-25. Review status: criteria provided, single submitter. Criteria: Ambry Autosomal Dominant and X-Linked criteria (10/2015). Collection method: clinical testing. Allele origin: germline. Observed: 1 variant allele.

Literature cited by the submitters: PubMed 10678181 (cited by Women's Health and Genetics/Laboratory Corporation of America, LabCorp); PubMed 23460398 (cited by Women's Health and Genetics/Laboratory Corporation of America, LabCorp); PubMed 29872168 (cited by Women's Health and Genetics/Laboratory Corporation of America, LabCorp).

NM_001042492.3(NF1):c.1806A>G (p.Glu602=)

Gene: NF1 (neurofibromin 1; plus strand). Cytogenetic location: 17q11.2.
Variant type: single nucleotide variant.
Coding change: c.1806A>G on transcript NM_001042492.3 (MANE Select); coding-DNA position 1806, A replaced by G.
Protein change: p.Glu602=; no amino-acid change (glutamic acid 602 retained).
Molecular consequence: synonymous variant.
Genome position (GRCh38, 1-based): chr17:31,223,528, A>G. VCF-style: chr17-31223528-A-G. GRCh37 (hg19) VCF-style: chr17-29550546-A-G.
Other names: c.1806A>G, p.Glu602= (NM_000267.4).
Identifiers: ClinVar variation 186321 (VCV000186321.17), dbSNP rs370454753, ClinGen allele CA194466.
Genomic context (GRCh38, chr17:31,223,528, plus strand): 5'-CAAGAAATTAACTAGTCATCAAATGCTTAGTAGCACAGAAATTCTCAAGTGGTTGCGGGA[A>G]ATATTGATCTGCAGGAATAAATTTCTTCTTAAAAATAAGGTAAGCAAAATGACATATTTA-3'
Protein context (NP_001035957.1, residues 592-612): SSTEILKWLR[Glu602=]ILICRNKFLL